The following is an entry in ClinVar:

ClinVar aggregate classification (germline): Uncertain significance. Review status: criteria provided, multiple submitters, no conflicts (2 of 4 stars). 2 submissions from 2 submitters: Uncertain significance (2). Last evaluated 2026-02-01.

Allele frequency attached by ClinVar (database versions not stated): TOPMed 0.00002; gnomAD 0.00003 and 0.00004.
gnomAD v4.1: 14 of 1,614,022 alleles (0.00087%); highest among the groups gnomAD compares: Non-Finnish European, 0.0012%; no homozygotes.

Submissions (2):

CeGaT Center for Human Genetics Tuebingen
Classification: Uncertain significance. Last evaluated: 2026-02-01. Review status: criteria provided, single submitter. Criteria: CeGaT Center For Human Genetics Tuebingen Variant Classification Criteria Version 2. Collection method: clinical testing. Allele origin: germline. Affected: yes. Observed: 1 variant allele.

Labcorp Genetics (formerly Invitae), Labcorp
Classification: Uncertain significance. Last evaluated: 2024-04-22. Review status: criteria provided, single submitter. Criteria: Invitae Variant Classification Sherloc (09022015). Collection method: clinical testing. Allele origin: germline.
Comment: This sequence change replaces lysine, which is basic and polar, with arginine, which is basic and polar, at codon 388 of the WHSC1 protein (p.Lys388Arg). This variant is present in population databases (rs760499309, gnomAD 0.004%). This variant has not been reported in the literature in individuals affected with WHSC1-related conditions. ClinVar contains an entry for this variant (Variation ID: 1680167). An algorithm developed to predict the effect of missense changes on protein structure and function (PolyPhen-2) suggests that this variant is likely to be tolerated. In summary, the available evidence is currently insufficient to determine the role of this variant in disease. Therefore, it has been classified as a Variant of Uncertain Significance.

NM_001042424.3(NSD2):c.1163A>G (p.Lys388Arg)

Gene: NSD2 (nuclear receptor binding SET domain protein 2; plus strand). Cytogenetic location: 4p16.3.
Variant type: single nucleotide variant.
Coding change: c.1163A>G on transcript NM_001042424.3 (MANE Select); coding-DNA position 1163, A replaced by G.
Protein change: p.Lys388Arg; replaces lysine 388 with arginine.
Molecular consequence: missense variant.
Genome position (GRCh38, 1-based): chr4:1,918,376, A>G. VCF-style: chr4-1918376-A-G. GRCh37 (hg19) VCF-style: chr4-1920103-A-G.
Other names: c.1163A>G, p.Lys388Arg (NM_007331.2, NM_133330.3, NM_133331.3 and 2 more transcripts); short protein forms K388R.
Identifiers: ClinVar variation 1680167 (VCV001680167.10), dbSNP rs760499309, ClinGen allele CA2812033.